The following is an entry in ClinVar:

NM_006642.5(SDCCAG8):c.1699C>G (p.Leu567Val)

Gene: SDCCAG8 (SHH signaling and ciliogenesis regulator SDCCAG8; plus strand). Cytogenetic location: 1q43.
Variant type: single nucleotide variant.
Coding change: c.1699C>G on transcript NM_006642.5 (MANE Select); coding-DNA position 1699, C replaced by G.
Protein change: p.Leu567Val; replaces leucine 567 with valine.
Molecular consequence: missense variant.
Genome position (GRCh38, 1-based): chr1:243,415,784, C>G. VCF-style: chr1-243415784-C-G. GRCh37 (hg19) VCF-style: chr1-243579086-C-G.
Other names: c.796C>G, p.Leu266Val (NM_001350246.2, NM_001350247.2, NM_001350251.2); c.1795C>G, p.Leu599Val (NM_001350248.2); c.1405C>G, p.Leu469Val (NM_001350249.2); c.1699C>G (NM_006642.3); short protein forms L599V, L266V, L469V, L567V.
Identifiers: ClinVar variation 2025089 (VCV002025089.6), dbSNP rs750647231, ClinGen allele CA345667258.
Genomic context (GRCh38, chr1:243,415,784, plus strand): 5'-CAGAGCTTTAGCAAGGAAGCAAAGGCCCAAGCCCTTCAGGCCCAGCAAAGAGAGCAGGAG[C>G]TGACACAGAAGATACAGCAAATGGAGGCCCAGCATGACAAAACTGGTAGGTGGTAGGGAA-3'
Protein context (NP_006633.1, residues 557-577): ALQAQQREQE[Leu567Val]TQKIQQMEAQ

ClinVar aggregate classification (germline): Uncertain significance. Review status: criteria provided, multiple submitters, no conflicts (2 of 4 stars). 2 submissions from 2 submitters: Uncertain significance (2). Last evaluated 2026-05-11.

Conditions:
SDCCAG8-related disorder. Also called: SDCCAG8-related condition; SDCCAG8-Related Disorders.
Bardet-Biedl syndrome 16 (BBS16). Identifiers: Orphanet 110, MedGen C3889474, MONDO:0014444, OMIM 615993.
Senior-Loken syndrome 7 (SLSN7). Identifiers: Orphanet 3156, MedGen C3150877, MONDO:0013326, OMIM 613615.

Allele frequency attached by ClinVar (database versions not stated): gnomAD 0.00001; TOPMed 0.00001.
gnomAD v4.1: 37 of 1,613,654 alleles (0.0023%); highest among the groups gnomAD compares: Non-Finnish European, 0.0031%; no homozygotes.

Submissions (2):

PreventionGenetics, part of Exact Sciences
Classification: Uncertain significance for SDCCAG8-related condition. Last evaluated: 2026-05-11. Review status: criteria provided, single submitter. Criteria: ACMG Guidelines, 2015. Collection method: clinical testing. Allele origin: germline.
Comment: The SDCCAG8 c.1699C>G variant is predicted to result in the amino acid substitution p.Leu567Val. To our knowledge, this variant has not been reported in the literature. This variant is reported in 0.0018% of alleles in individuals of European (Non-Finnish) descent in gnomAD. At this time, the clinical significance of this variant is uncertain due to the absence of conclusive functional and genetic evidence.

Labcorp Genetics (formerly Invitae), Labcorp
Classification: Uncertain significance for Bardet-Biedl syndrome 16; Senior-Loken syndrome 7. Last evaluated: 2023-11-27. Review status: criteria provided, single submitter. Criteria: Invitae Variant Classification Sherloc (09022015). Collection method: clinical testing. Allele origin: germline.
Comment: This sequence change replaces leucine, which is neutral and non-polar, with valine, which is neutral and non-polar, at codon 567 of the SDCCAG8 protein (p.Leu567Val). This variant is present in population databases (no rsID available, gnomAD 0.002%). This variant has not been reported in the literature in individuals affected with SDCCAG8-related conditions. ClinVar contains an entry for this variant (Variation ID: 2025089). Advanced modeling of protein sequence and biophysical properties (such as structural, functional, and spatial information, amino acid conservation, physicochemical variation, residue mobility, and thermodynamic stability) has been performed at Invitae for this missense variant, however the output from this modeling did not meet the statistical confidence thresholds required to predict the impact of this variant on SDCCAG8 protein function. In summary, the available evidence is currently insufficient to determine the role of this variant in disease. Therefore, it has been classified as a Variant of Uncertain Significance.